The following is an entry in ClinVar:

NM_004260.4(RECQL4):c.705G>C (p.Gln235His)

Gene: RECQL4 (RecQ like helicase 4; minus strand). Cytogenetic location: 8q24.3.
Variant type: single nucleotide variant.
Coding change: c.705G>C on transcript NM_004260.4 (MANE Select); coding-DNA position 705, G replaced by C.
Protein change: p.Gln235His; replaces glutamine 235 with histidine.
Molecular consequence: missense variant.
Genome position (GRCh38, 1-based): chr8:144,516,414, C>G on the plus strand (G>C on the coding strand, the complement: RECQL4 is on the minus strand). VCF-style: chr8-144516414-C-G. GRCh37 (hg19) VCF-style: chr8-145741798-C-G.
Other names: short protein forms Q235H.
Identifiers: ClinVar variation 1432485 (VCV001432485.6), dbSNP rs1177971610, ClinGen allele CA372689590.
Genomic context (GRCh38, chr8:144,516,414, plus strand): 5'-GCTGGGCTGGGGGCTCCCCACACGGATGCTGACTTCTTGGAAGGCTGAAGCCTCTGGGCC[C>G]TGGGAGCCAGCACCAGGACCAAGGACAGCCGACTCACCAGGGATCAGAAGTTGTGATTCC-3'
Protein context (NP_004251.4, residues 225-245): SAVLGPGAGS[Gln235His]GPEASAFQEV

ClinVar aggregate classification (germline): Uncertain significance (1 of 4 stars; one submission).

Conditions:
Baller-Gerold syndrome (BGS). Also called: CRANIOSYNOSTOSIS WITH RADIAL DEFECTS. Identifiers: Orphanet 1225, MedGen C0265308, MONDO:0009039, OMIM 218600.

Allele frequency attached by ClinVar (database versions not stated): TOPMed 0.00001.
gnomAD v4.1: 1 of 1,609,324 alleles (0.000062%); highest among the groups gnomAD compares: Admixed American, 0.0017%; no homozygotes.

Submission:

Labcorp Genetics (formerly Invitae), Labcorp
Classification: Uncertain significance for Baller-Gerold syndrome. Last evaluated: 2025-05-12. Review status: criteria provided, single submitter. Criteria: Invitae Variant Classification Sherloc (09022015). Collection method: clinical testing. Allele origin: germline.
Comment: This sequence change replaces glutamine, which is neutral and polar, with histidine, which is basic and polar, at codon 235 of the RECQL4 protein (p.Gln235His). This variant is not present in population databases (gnomAD no frequency). This variant has not been reported in the literature in individuals affected with RECQL4-related conditions. ClinVar contains an entry for this variant (Variation ID: 1432485). Experimental studies and prediction algorithms are not available or were not evaluated, and the functional significance of this variant is currently unknown. In summary, the available evidence is currently insufficient to determine the role of this variant in disease. Therefore, it has been classified as a Variant of Uncertain Significance.